The following is an entry in ClinVar:

NM_001003841.3(SLC6A19):c.1379-9G>C

Gene: SLC6A19 (solute carrier family 6 member 19; plus strand). Cytogenetic location: 5p15.33.
Variant type: single nucleotide variant.
Coding change: c.1379-9G>C on transcript NM_001003841.3 (MANE Select); 9 bases into the intron before coding-DNA position 1379, G replaced by C.
Molecular consequence: intron variant.
Genome position (GRCh38, 1-based): chr5:1,219,496, G>C. VCF-style: chr5-1219496-G-C. GRCh37 (hg19) VCF-style: chr5-1219611-G-C.
Other names: p.?; c.1379-9G>C (NM_001003841.2).
Identifiers: ClinVar variation 1169026 (VCV001169026.15), dbSNP rs80151745, ClinGen allele CA3183154.

ClinVar aggregate classification (germline): Benign. Review status: criteria provided, multiple submitters, no conflicts (2 of 4 stars). 5 submissions from 5 submitters: Benign (4). 1 of the submissions does not count toward it. Last evaluated 2026-02-01.

Conditions:
SLC6A19-related disorder. Also called: SLC6A19-related condition.

Allele frequency attached by ClinVar (database versions not stated): 1000 Genomes Project 30x 0.03904; ESP Exome Variant Server 0.04798; 1000 Genomes Project 0.03774.
gnomAD v4.1: 84,571 of 1,610,092 alleles (5.3%); highest among the groups gnomAD compares: Admixed American, 8.9%; 2,549 homozygotes.

Submissions (5):

Labcorp Genetics (formerly Invitae), Labcorp
Classification: Benign. Last evaluated: 2026-02-01. Review status: criteria provided, single submitter. Criteria: Invitae Variant Classification Sherloc (09022015). Collection method: clinical testing. Allele origin: germline.

Mayo Clinic Laboratories, Mayo Clinic
Classification: Benign. Last evaluated: 2022-03-24. Review status: criteria provided, single submitter. Criteria: ACMG Guidelines, 2015. Collection method: clinical testing. Allele origin: germline. Observed: 61 variant alleles.

GeneDx
Classification: Benign. Last evaluated: 2021-05-05. Review status: criteria provided, single submitter. Criteria: GeneDx Variant Classification Process June 2021. Collection method: clinical testing. Allele origin: germline. Affected: yes.

Breakthrough Genomics
Classification: Benign. Review status: criteria provided, single submitter. Criteria: ACMG Guidelines, 2015. Collection method: not provided. Allele origin: germline. Inheritance: Autosomal recessive inheritance. Affected: yes.

PreventionGenetics, part of Exact Sciences
Classification: Benign for SLC6A19-related condition. Last evaluated: 2019-07-08. Review status: no assertion criteria provided. Collection method: clinical testing. Allele origin: germline. Not counted in ClinVar's aggregate classification.
Comment: This variant is classified as benign based on ACMG/AMP sequence variant interpretation guidelines (Richards et al. 2015 PMID: 25741868, with internal and published modifications).